The following is an entry in ClinVar:

NM_031475.3(ESPN):c.1787C>T (p.Pro596Leu)

Gene: ESPN (espin; plus strand). Cytogenetic location: 1p36.31.
Variant type: single nucleotide variant.
Coding change: c.1787C>T on transcript NM_031475.3 (MANE Select); coding-DNA position 1787, C replaced by T.
Protein change: p.Pro596Leu; replaces proline 596 with leucine.
Molecular consequence: missense variant.
Genome position (GRCh38, 1-based): chr1:6,448,963, C>T. VCF-style: chr1-6448963-C-T. GRCh37 (hg19) VCF-style: chr1-6509023-C-T.
Other names: c.1697C>T, p.Pro566Leu (NM_001367473.1, NM_001367474.1); short protein forms P566L, P596L.
Identifiers: ClinVar variation 1207435 (VCV001207435.14), dbSNP rs1005676774, ClinGen allele CA17211882.
Genomic context (GRCh38, chr1:6,448,963, plus strand): 5'-TTCCTGGGAACCATGTTCCTAACGGCTGCGCCGCGGACCCCAAGGCGTCCAGGGAGCTGC[C>T]ACCGCCGCCCCCACCGCCGCCGCCGCCCCTGCCGGAGGCCGCGAGTTCGCCACCGCCGGC-3'
Protein context (NP_113663.2, residues 586-606): AADPKASREL[Pro596Leu]PPPPPPPPPL

ClinVar aggregate classification (germline): Uncertain significance. Review status: criteria provided, multiple submitters, no conflicts (2 of 4 stars). 4 submissions from 4 submitters: Uncertain significance (4). Last evaluated 2025-09-26.

Conditions:
Inborn genetic diseases. Identifiers: MedGen C0950123, MeSH D030342.

Allele frequency attached by ClinVar (database versions not stated): gnomAD exomes 0.00001 and 0.00002; gnomAD 0.00013 and 0.00014; TOPMed 0.00017.
gnomAD v4.1: 35 of 1,403,216 alleles (0.0025%); highest among the groups gnomAD compares: African/African-American, 0.047%; no homozygotes.

Submissions (4):

Ambry Genetics
Classification: Uncertain significance for Inborn genetic diseases. Last evaluated: 2025-09-26. Review status: criteria provided, single submitter. Criteria: Ambry Variant Classification Scheme 2023. Collection method: clinical testing. Allele origin: germline.
Comment: The c.1787C>T (p.P596L) alteration is located in exon 8 (coding exon 8) of the ESPN gene. This alteration results from a C to T substitution at nucleotide position 1787, causing the proline (P) at amino acid position 596 to be replaced by a leucine (L). Based on data from gnomAD, the T allele has an overall frequency of 0.002% (2/88912) total alleles studied. The highest observed frequency was 0.036% (1/2758) of Other alleles. Based on insufficient or conflicting evidence, the clinical significance of this alteration remains unclear.

GeneDx
Classification: Uncertain significance. Last evaluated: 2025-08-21. Review status: criteria provided, single submitter. Criteria: GeneDx Variant Classification Process June 2021. Collection method: clinical testing. Allele origin: germline. Affected: yes.
Comment: Not observed at significant frequency in large population cohorts (gnomAD); In silico analysis suggests that this missense variant does not alter protein structure/function; Has not been previously published as pathogenic or benign to our knowledge

Blueprint Genetics
Classification: Uncertain significance. Last evaluated: 2023-11-14. Review status: criteria provided, single submitter. Criteria: ACMG Guidelines, 2015. Collection method: clinical testing. Allele origin: germline.

Labcorp Genetics (formerly Invitae), Labcorp
Classification: Uncertain significance. Last evaluated: 2022-02-10. Review status: criteria provided, single submitter. Criteria: Invitae Variant Classification Sherloc (09022015). Collection method: clinical testing. Allele origin: germline.
Comment: The frequency data for this variant in the population databases is considered unreliable, as metrics indicate poor data quality at this position in the gnomAD database. This sequence change replaces proline, which is neutral and non-polar, with leucine, which is neutral and non-polar, at codon 596 of the ESPN protein (p.Pro596Leu). Algorithms developed to predict the effect of missense changes on protein structure and function are either unavailable or do not agree on the potential impact of this missense change (SIFT: "Deleterious"; PolyPhen-2: "Benign"; Align-GVGD: "Class C0"). ClinVar contains an entry for this variant (Variation ID: 1207435). This variant has not been reported in the literature in individuals affected with ESPN-related conditions. In summary, the available evidence is currently insufficient to determine the role of this variant in disease. Therefore, it has been classified as a Variant of Uncertain Significance.